The following is an entry in ClinVar:

ClinVar aggregate classification (germline): Conflicting classifications of pathogenicity. Review status: criteria provided, conflicting classifications (1 of 4 stars). 4 submissions from 4 submitters: Uncertain significance (1); Likely benign (3). Last evaluated 2025-12-01.

Conditions:
PCNT-related disorder. Also called: PCNT-related condition.
Microcephalic osteodysplastic primordial dwarfism type II (MOPD2). Also called: Microcephalic osteodysplastic primordial dwarfism with tooth abnormalities; MOPD II; OSTEODYSPLASTIC PRIMORDIAL DWARFISM, TYPE II. Identifiers: Orphanet 2637, MedGen C0432246, MONDO:0008872, OMIM 210720.

Allele frequency attached by ClinVar (database versions not stated): gnomAD exomes 0.00001.
gnomAD v4.1: 6 of 1,613,842 alleles (0.00037%); highest among the groups gnomAD compares: South Asian, 0.0011%; no homozygotes.

Submissions (4):

Women's Health and Genetics/Laboratory Corporation of America, LabCorp
Classification: Likely benign. Last evaluated: 2025-12-01. Review status: criteria provided, single submitter. Criteria: LabCorp Variant Classification Summary - May 2015. Collection method: clinical testing. Allele origin: germline.
Comment: Variant summary: PCNT c.55-5C>T alters a conserved nucleotide located at a position not widely known to affect splicing. Consensus agreement among computation tools predict no significant impact on normal splicing. However, these predictions have yet to be confirmed by functional studies. The variant was absent in 251292 control chromosomes. The available data on variant occurrences in the general population are insufficient to allow any conclusion about variant significance. To our knowledge, no occurrence of c.55-5C>T in individuals affected with PCNT-related conditions and no experimental evidence demonstrating its impact on protein function have been reported. ClinVar contains an entry for this variant (Variation ID: 159620). Based on the evidence outlined above, the variant was classified as likely benign.

PreventionGenetics, part of Exact Sciences
Classification: Likely benign for PCNT-related condition. Last evaluated: 2024-10-28. Review status: criteria provided, single submitter. Criteria: ACMG Guidelines, 2015. Collection method: clinical testing. Allele origin: germline.
Comment: This variant is classified as likely benign based on ACMG/AMP sequence variant interpretation guidelines (Richards et al. 2015 PMID: 25741868, with internal and published modifications).

Labcorp Genetics (formerly Invitae), Labcorp
Classification: Likely benign. Last evaluated: 2023-04-15. Review status: criteria provided, single submitter. Criteria: Invitae Variant Classification Sherloc (09022015). Collection method: clinical testing. Allele origin: germline.

Genetic Services Laboratory, University of Chicago
Classification: Uncertain significance for Microcephalic osteodysplastic primordial dwarfism, type II. Last evaluated: 2013-11-12. Review status: criteria provided, single submitter. Criteria: ACMG Guidelines, 2007. Collection method: clinical testing. Allele origin: germline. Inheritance: Autosomal recessive inheritance.

NM_006031.6(PCNT):c.55-5C>T

Genes: PCNT (pericentrin; plus strand), LOC128092249 (uncharacterized LOC128092249; plus strand). Cytogenetic location: 21q22.3.
Variant type: single nucleotide variant.
Coding change: c.55-5C>T on transcript NM_006031.6 (MANE Select); 5 bases into the intron before coding-DNA position 55, C replaced by T.
Molecular consequence: intron variant.
Genome position (GRCh38, 1-based): chr21:46,326,372, C>T. VCF-style: chr21-46326372-C-T. GRCh37 (hg19) VCF-style: chr21-47746286-C-T.
Other names: c.-300-5C>T (NM_001315529.2).
Identifiers: ClinVar variation 159620 (VCV000159620.11), dbSNP rs587784310, ClinGen allele CA251084.